The following is an entry in ClinVar:

NM_020999.4(NEUROG3):c.101C>A (p.Ser34Tyr)

Gene: NEUROG3 (neurogenin 3; minus strand). Cytogenetic location: 10q22.1.
Variant type: single nucleotide variant.
Coding change: c.101C>A on transcript NM_020999.4 (MANE Select); coding-DNA position 101, C replaced by A.
Protein change: p.Ser34Tyr; replaces serine 34 with tyrosine.
Molecular consequence: missense variant.
Genome position (GRCh38, 1-based): chr10:69,572,943, G>T on the plus strand (C>A on the coding strand, the complement: NEUROG3 is on the minus strand). VCF-style: chr10-69572943-G-T. GRCh37 (hg19) VCF-style: chr10-71332699-G-T.
Other names: c.101C>A (NM_020999.3); short protein forms S34Y.
Identifiers: ClinVar variation 1514575 (VCV001514575.5), dbSNP rs774697166, ClinGen allele CA5533780.

ClinVar aggregate classification (germline): Uncertain significance. Review status: criteria provided, multiple submitters, no conflicts (2 of 4 stars). 2 submissions from 2 submitters: Uncertain significance (2). Last evaluated 2023-07-25.

Conditions:
Inborn genetic diseases. Identifiers: MedGen C0950123, MeSH D030342.

Allele frequency attached by ClinVar (database versions not stated): TOPMed below 0.00001.

Submissions (2):

Ambry Genetics
Classification: Uncertain significance for Inborn genetic diseases. Last evaluated: 2023-07-25. Review status: criteria provided, single submitter. Criteria: Ambry Variant Classification Scheme 2023. Collection method: clinical testing. Allele origin: germline.

Labcorp Genetics (formerly Invitae), Labcorp
Classification: Uncertain significance. Last evaluated: 2021-08-23. Review status: criteria provided, single submitter. Criteria: Invitae Variant Classification Sherloc (09022015). Collection method: clinical testing. Allele origin: germline.
Comment: This sequence change replaces serine with tyrosine at codon 34 of the NEUROG3 protein (p.Ser34Tyr). The serine residue is moderately conserved and there is a large physicochemical difference between serine and tyrosine. This variant is present in population databases (rs774697166, ExAC 0.02%). This variant has not been reported in the literature in individuals affected with NEUROG3-related conditions. Algorithms developed to predict the effect of missense changes on protein structure and function are either unavailable or do not agree on the potential impact of this missense change (SIFT: "Deleterious"; PolyPhen-2: "Benign"; Align-GVGD: "Class C0"). In summary, the available evidence is currently insufficient to determine the role of this variant in disease. Therefore, it has been classified as a Variant of Uncertain Significance.